The following is an entry in ClinVar:

ClinVar aggregate classification (germline): Uncertain significance (1 of 4 stars; one submission).

Submission:

GeneDx
Classification: Uncertain significance. Last evaluated: 2026-01-23. Review status: criteria provided, single submitter. Criteria: GeneDx Variant Classification Process June 2021. Collection method: clinical testing. Allele origin: germline.
Comment: Not observed at significant frequency in large population cohorts (gnomAD); Stop codon loss and change to an isoleucine codon, leading to protein extension and the addition of 3 amino acid(s) at the C-terminus; Has not been previously published as pathogenic or benign to our knowledge

NM_001366521.1(ATP2B1):c.3660_3661del (p.Ter1221IleextTer?)

Gene: ATP2B1 (ATPase plasma membrane Ca2+ transporting 1; minus strand). Cytogenetic location: 12q21.33.
Variant type: Microsatellite.
Coding change: c.3660_3661del on transcript NM_001366521.1 (MANE Select); coding-DNA positions 3660 to 3661, 2 bases deleted (CT; older notation c.3660_3661delCT).
Protein change: p.Ter1221IleextTer?.
Molecular consequence: frameshift variant. On other transcripts: 3 prime UTR variant (9), non-coding transcript variant (3).
Genome position (GRCh38, 1-based): chr12:89,590,986-89,590,987, AG deleted on the plus strand (CT on the coding strand, the reverse complement: ATP2B1 is on the minus strand); deleting any 2 consecutive bases within chr12:89,590,986-89,590,989 gives the same sequence; the c. name uses the placement nearest the transcript's 3' end. VCF-style (leftmost placement, unchanged base first): chr12-89590985-CAG-C. GRCh37 (hg19) VCF-style: chr12-89984762-CAG-C.
Other names: c.*281CT[1] (NM_001001323.2, NM_001366523.1, NM_001366528.1 and 2 more transcripts); c.3660_3661del, p.Ter1221IleextTer? (NM_001366520.1, NM_001366522.1, NM_001413046.1 and 2 more transcripts); c.3747_3748del, p.Ter1250IleextTer? (NM_001366524.1, NM_001366525.1); c.*294CT[1] (NM_001366526.1, NM_001366527.1, NM_001366529.1 and 1 more transcripts); c.3621_3622del, p.Ter1208IleextTer? (NM_001413048.1); c.3552_3553del, p.Ter1185IleextTer? (NM_001413049.1, NM_001413050.1); c.3519_3520del, p.Ter1174IleextTer? (NM_001413051.1, NM_001413052.1); c.3462_3463del, p.Ter1155IleextTer? (NM_001413053.1); and 5 more.
Identifiers: ClinVar variation 4975402 (VCV004975402.1).